The following is an entry in ClinVar:

ClinVar aggregate classification (germline): Uncertain significance (1 of 4 stars; one submission).

Conditions:
Hereditary cancer-predisposing syndrome. Also called: Neoplastic Syndromes, Hereditary; Tumor predisposition; Hereditary Cancer Syndrome; Hereditary neoplastic syndrome. Identifiers: Orphanet 140162, MedGen C0027672, MeSH D009386, MONDO:0015356.

Submission:

Ambry Genetics
Classification: Uncertain significance for Hereditary cancer-predisposing syndrome. Last evaluated: 2025-12-17. Review status: criteria provided, single submitter. Criteria: Ambry Variant Classification Scheme 2023. Collection method: clinical testing. Allele origin: germline.
Comment: The p.E368D variant (also known as c.1104A>C), located in coding exon 4 of the MSH6 gene, results from an A to C substitution at nucleotide position 1104. The glutamic acid at codon 368 is replaced by aspartic acid, an amino acid with highly similar properties. This amino acid position is conserved. In addition, the in silico prediction for this alteration is inconclusive. Based on the available evidence, the clinical significance of this variant remains unclear.

NM_000179.3(MSH6):c.1104A>C (p.Glu368Asp)

Gene: MSH6 (mutS homolog 6; plus strand). Cytogenetic location: 2p16.3.
Variant type: single nucleotide variant.
Coding change: c.1104A>C on transcript NM_000179.3 (MANE Select); coding-DNA position 1104, A replaced by C.
Protein change: p.Glu368Asp; replaces glutamic acid 368 with aspartic acid.
Molecular consequence: missense variant. On other transcripts: non-coding transcript variant (4), intron variant (1).
Genome position (GRCh38, 1-based): chr2:47,799,087, A>C. VCF-style: chr2-47799087-A-C. GRCh37 (hg19) VCF-style: chr2-48026226-A-C.
Other names: c.1104A>C, p.Glu368Asp (NM_001406800.1, NM_001406803.1, NM_001406808.1 and 4 more transcripts); c.807A>C, p.Glu269Asp (NM_001406801.1, NM_001406805.1, NM_001406820.1 and 10 more transcripts); c.1200A>C, p.Glu400Asp (NM_001406802.1, NM_001406795.1); c.1026A>C, p.Glu342Asp (NM_001406804.1); c.579A>C, p.Glu193Asp (NM_001406806.1, NM_001406807.1, NM_001406799.1); c.198A>C, p.Glu66Asp (NM_001406823.1, NM_001406829.1, NM_001281493.2 and 6 more transcripts); c.936A>C, p.Glu312Asp (NM_001406826.1); c.714A>C, p.Glu238Asp (NM_001281492.2); and 2 more; short protein forms E400D, E238D, E269D, E193D, E312D, E370D, E342D, E368D.
Identifiers: ClinVar variation 4843688 (VCV004843688.1).
Genomic context (GRCh38, chr2:47,799,087, plus strand): 5'-CCAAGCCCACGTTAGTGGAGGTGGTGATGACAGTAGTCGCCCTACTGTTTGGTATCATGA[A>C]ACTTTAGAATGGCTTAAGGAGGAAAAGAGAAGAGATGAGCACAGGAGGAGGCCTGATCAC-3'
Protein context (NP_000170.1, residues 358-378): DSSRPTVWYH[Glu368Asp]TLEWLKEEKR